The following is an entry in ClinVar:

ClinVar aggregate classification (germline): Pathogenic/Likely pathogenic. Review status: criteria provided, multiple submitters, no conflicts (2 of 4 stars). 2 submissions from 2 submitters: Pathogenic (1); Likely pathogenic (1). Last evaluated 2025-05-02.

Conditions:
Microcephalic osteodysplastic primordial dwarfism type II (MOPD2). Also called: MOPD II; OSTEODYSPLASTIC PRIMORDIAL DWARFISM, TYPE II; Microcephalic osteodysplastic primordial dwarfism with tooth abnormalities. Identifiers: Orphanet 2637, MedGen C0432246, MONDO:0008872, OMIM 210720.

Submissions (2):

Labcorp Genetics (formerly Invitae), Labcorp
Classification: Pathogenic. Last evaluated: 2025-05-02. Review status: criteria provided, single submitter. Criteria: Invitae Variant Classification Sherloc (09022015). Collection method: clinical testing. Allele origin: germline.
Comment: This sequence change creates a premature translational stop signal (p.Gly1667Valfs*3) in the PCNT gene. It is expected to result in an absent or disrupted protein product. Loss-of-function variants in PCNT are known to be pathogenic (PMID: 18174396, 22821869). This variant is not present in population databases (gnomAD no frequency). This variant has not been reported in the literature in individuals affected with PCNT-related conditions. ClinVar contains an entry for this variant (Variation ID: 3587738). For these reasons, this variant has been classified as Pathogenic.

Fulgent Genetics
Classification: Likely pathogenic for Microcephalic osteodysplastic primordial dwarfism type II. Last evaluated: 2024-06-11. Review status: criteria provided, single submitter. Criteria: ACMG Guidelines, 2015. Collection method: clinical testing. Allele origin: germline.

Literature cited by the submitters: PubMed 18174396 (cited by Labcorp Genetics (formerly Invitae), Labcorp); PubMed 22821869 (cited by Labcorp Genetics (formerly Invitae), Labcorp).

NM_006031.6(PCNT):c.4998del (p.Gly1667fs)

Gene: PCNT (pericentrin; plus strand). Cytogenetic location: 21q22.3.
Variant type: Deletion.
Coding change: c.4998del on transcript NM_006031.6 (MANE Select); coding-DNA position 4998, one base deleted (A; older notation c.4998delA).
Protein change: p.Gly1667fs; shifts the reading frame from glycine 1667.
Molecular consequence: frameshift variant.
Genome position (GRCh38, 1-based): chr21:46,402,366, A deleted; the last of 3 consecutive A bases (chr21:46,402,364-46,402,366); deleting any one gives the same sequence. VCF-style (leftmost placement, unchanged base first): chr21-46402363-GA-G. GRCh37 (hg19) VCF-style: chr21-47822277-GA-G.
Other names: c.4644del, p.Gly1549fs (NM_001315529.2); short protein forms G1667fs, G1549fs.
Identifiers: ClinVar variation 3587738 (VCV003587738.2).